The following is an entry in ClinVar:

ClinVar aggregate classification (germline): Uncertain significance. Review status: criteria provided, multiple submitters, no conflicts (2 of 4 stars). 2 submissions from 2 submitters: Uncertain significance (2). Last evaluated 2025-09-17.

Conditions:
Epidermodysplasia verruciformis. Identifiers: Orphanet 302, MedGen C0014522, MONDO:0009176.

Allele frequency attached by ClinVar (database versions not stated): ExAC 0.00003; gnomAD exomes 0.00004 and 0.00005; ESP Exome Variant Server 0.00008; TOPMed 0.00009; gnomAD 0.00010 and 0.00011.

Submissions (2):

Labcorp Genetics (formerly Invitae), Labcorp
Classification: Uncertain significance for Epidermodysplasia verruciformis. Last evaluated: 2025-09-17. Review status: criteria provided, single submitter. Criteria: Invitae Variant Classification Sherloc (09022015). Collection method: clinical testing. Allele origin: germline.
Comment: This sequence change replaces arginine, which is basic and polar, with glutamine, which is neutral and polar, at codon 255 of the TMC8 protein (p.Arg255Gln). This variant is present in population databases (rs150810138, gnomAD 0.02%). This variant has not been reported in the literature in individuals affected with TMC8-related conditions. ClinVar contains an entry for this variant (Variation ID: 845524). Invitae Evidence Modeling of protein sequence and biophysical properties (such as structural, functional, and spatial information, amino acid conservation, physicochemical variation, residue mobility, and thermodynamic stability) indicates that this missense variant is not expected to disrupt TMC8 protein function with a negative predictive value of 80%. Algorithms developed to predict the effect of sequence changes on RNA splicing suggest that this variant may create or strengthen a splice site. In summary, the available evidence is currently insufficient to determine the role of this variant in disease. Therefore, it has been classified as a Variant of Uncertain Significance.

Breakthrough Genomics
Classification: Uncertain significance. Review status: criteria provided, single submitter. Criteria: ACMG Guidelines, 2015. Collection method: not provided. Allele origin: germline. Inheritance: Autosomal recessive inheritance. Affected: yes.

NM_152468.5(TMC8):c.764G>A (p.Arg255Gln)

Gene: TMC8 (transmembrane channel like 8; plus strand). Cytogenetic location: 17q25.3.
Variant type: single nucleotide variant.
Coding change: c.764G>A on transcript NM_152468.5 (MANE Select); coding-DNA position 764, G replaced by A.
Protein change: p.Arg255Gln; replaces arginine 255 with glutamine.
Molecular consequence: missense variant.
Genome position (GRCh38, 1-based): chr17:78,133,948, G>A. VCF-style: chr17-78133948-G-A. GRCh37 (hg19) VCF-style: chr17-76130029-G-A.
Other names: short protein forms R255Q.
Identifiers: ClinVar variation 845524 (VCV000845524.9), dbSNP rs150810138, ClinGen allele CA8796595.